The following is an entry in ClinVar:

ClinVar aggregate classification (germline): Uncertain significance (1 of 4 stars; one submission).

Submission:

Women's Health and Genetics/Laboratory Corporation of America, LabCorp
Classification: Uncertain significance. Last evaluated: 2018-07-24. Review status: criteria provided, single submitter. Criteria: LabCorp Variant Classification Summary - May 2015. Collection method: clinical testing. Allele origin: germline.
Comment: Variant summary: CFTR c.3577A>G (p.Ile1193Val) results in a conservative amino acid change in the encoded protein sequence. Three of five in-silico tools predict a benign effect of the variant on protein function. The variant was absent in 245302 control chromosomes (gnomAD). The available data on variant occurrences in the general population are insufficient to allow any conclusion about variant significance. To our knowledge, no occurrence of c.3577A>G in individuals affected with Cystic Fibrosis and no experimental evidence demonstrating its impact on protein function have been reported. No clinical diagnostic laboratories have submitted clinical-significance assessments for this variant to ClinVar after 2014. Based on the evidence outlined above, the variant was classified as uncertain significance.

NM_000492.4(CFTR):c.3577A>G (p.Ile1193Val)

Genes: CFTR (CF transmembrane conductance regulator; plus strand), CFTR-AS2 (CFTR antisense RNA 2; minus strand). Cytogenetic location: 7q31.2.
Variant type: single nucleotide variant.
Coding change: c.3577A>G on transcript NM_000492.4 (MANE Select); coding-DNA position 3577, A replaced by G.
Protein change: p.Ile1193Val; replaces isoleucine 1193 with valine.
Molecular consequence: missense variant.
Genome position (GRCh38, 1-based): chr7:117,627,630, A>G. VCF-style: chr7-117627630-A-G. GRCh37 (hg19) VCF-style: chr7-117267684-A-G.
Other names: short protein forms I1193V.
Identifiers: ClinVar variation 632761 (VCV000632761.1), dbSNP rs1562919375, ClinGen allele CA368996473.